The following is an entry in ClinVar:

ClinVar aggregate classification (germline): Pathogenic (1 of 4 stars; one submission).

Conditions:
Dilated cardiomyopathy 1J (CMD1J). Also called: CARDIOMYOPATHY, DILATED, WITH SENSORINEURAL HEARING LOSS, AUTOSOMAL DOMINANT. Identifiers: Orphanet 217622, MedGen C1854368, MONDO:0011541, OMIM 605362.

Submission:

Labcorp Genetics (formerly Invitae), Labcorp
Classification: Pathogenic for Dilated cardiomyopathy 1J. Last evaluated: 2025-04-15. Review status: criteria provided, single submitter. Criteria: Invitae Variant Classification Sherloc (09022015). Collection method: clinical testing. Allele origin: germline.
Comment: This sequence change creates a premature translational stop signal (p.Leu491Tyrfs*24) in the EYA4 gene. It is expected to result in an absent or disrupted protein product. Loss-of-function variants in EYA4 are known to be pathogenic (PMID: 11159937, 25781927, 25963406). This variant is not present in population databases (gnomAD no frequency). This variant has not been reported in the literature in individuals affected with EYA4-related conditions. ClinVar contains an entry for this variant (Variation ID: 2126137). For these reasons, this variant has been classified as Pathogenic.

Literature cited by the submitters: PubMed 11159937; PubMed 25781927; PubMed 25963406.

NM_004100.5(EYA4):c.1472del (p.Leu491fs)

Genes: EYA4 (EYA transcriptional coactivator and phosphatase 4; plus strand), TARID (TCF21 antisense RNA inducing promoter demethylation; minus strand). Cytogenetic location: 6q23.2.
Variant type: Deletion.
Coding change: c.1472del on transcript NM_004100.5 (MANE Select); coding-DNA position 1472, one base deleted (T; older notation c.1472delT).
Protein change: p.Leu491fs; shifts the reading frame from leucine 491.
Molecular consequence: frameshift variant.
Genome position (GRCh38, 1-based): chr6:133,513,009, T deleted; the last of 2 consecutive T bases (chr6:133,513,008-133,513,009); deleting either gives the same sequence. VCF-style (leftmost placement, unchanged base first): chr6-133513007-AT-A. GRCh37 (hg19) VCF-style: chr6-133834145-AT-A.
Other names: c.1310del, p.Leu437fs (NM_001301012.2); c.1490del, p.Leu497fs (NM_001301013.2); c.1403del, p.Leu468fs (NM_001370458.1, NM_172103.4); c.1328del, p.Leu443fs (NM_001370459.1); c.1472del, p.Leu491fs (NM_172105.4); short protein forms L497fs, L437fs, L491fs, L443fs, L468fs.
Identifiers: ClinVar variation 2126137 (VCV002126137.4), dbSNP rs2535341785, ClinGen allele CA2580075036.
Genomic context (GRCh38, chr6:133,513,007, plus strand): 5'-TGTAAGAGGAGGGGTTGACTGGATGAGGAAGTTGGCTTTTCGTTACAGAAGAGTAAAAGA[AT>A]TATATAACACCTACAAGAACAACGTTGGAGGTATGTGTGGCTTTTTCAATCTAACAAAGG-3'